The following is an entry in ClinVar:

NM_001271.4(CHD2):c.371T>C (p.Ile124Thr)

Gene: CHD2 (chromodomain helicase DNA binding protein 2; plus strand). Cytogenetic location: 15q26.1.
Variant type: single nucleotide variant.
Coding change: c.371T>C on transcript NM_001271.4 (MANE Select); coding-DNA position 371, T replaced by C.
Protein change: p.Ile124Thr; replaces isoleucine 124 with threonine.
Molecular consequence: missense variant.
Genome position (GRCh38, 1-based): chr15:92,927,320, T>C. VCF-style: chr15-92927320-T-C. GRCh37 (hg19) VCF-style: chr15-93470550-T-C.
Other names: c.371T>C, p.Ile124Thr (NM_001042572.3); short protein forms I124T.
Identifiers: ClinVar variation 2112618 (VCV002112618.4), dbSNP rs1196277311, ClinGen allele CA393897020.

ClinVar aggregate classification (germline): Uncertain significance (1 of 4 stars; one submission).

Conditions:
Developmental and epileptic encephalopathy 94 (DEE94). Also called: CHD2-Related Neurodevelopmental Disorders; Epileptic encephalopathy, childhood-onset. Identifiers: Orphanet 1942, Orphanet 2382, MedGen C3809278, MONDO:0014150, OMIM 615369.

Submission:

Labcorp Genetics (formerly Invitae), Labcorp
Classification: Uncertain significance for Developmental and epileptic encephalopathy 94. Last evaluated: 2022-05-04. Review status: criteria provided, single submitter. Criteria: Invitae Variant Classification Sherloc (09022015). Collection method: clinical testing. Allele origin: germline.
Comment: In summary, the available evidence is currently insufficient to determine the role of this variant in disease. Therefore, it has been classified as a Variant of Uncertain Significance. Advanced modeling of protein sequence and biophysical properties (such as structural, functional, and spatial information, amino acid conservation, physicochemical variation, residue mobility, and thermodynamic stability) performed at Invitae indicates that this missense variant is not expected to disrupt CHD2 protein function. This variant has not been reported in the literature in individuals affected with CHD2-related conditions. This variant is present in population databases (no rsID available, gnomAD 0.03%). This sequence change replaces isoleucine, which is neutral and non-polar, with threonine, which is neutral and polar, at codon 124 of the CHD2 protein (p.Ile124Thr).